The following is an entry in ClinVar:

ClinVar aggregate classification (germline): Uncertain significance. Review status: criteria provided, multiple submitters, no conflicts (2 of 4 stars). 3 submissions from 3 submitters: Uncertain significance (3). Last evaluated 2025-11-07.

Allele frequency attached by ClinVar (database versions not stated): ExAC 0.00001; gnomAD exomes 0.00001 and 0.00003; gnomAD 0.00003 and 0.00004; TOPMed 0.00005.
gnomAD v4.1: 53 of 1,596,220 alleles (0.0033%); highest among the groups gnomAD compares: Non-Finnish European, 0.0043%; no homozygotes.

Submissions (3):

Ambry Genetics
Classification: Uncertain significance. Last evaluated: 2025-11-07. Review status: criteria provided, single submitter. Criteria: Ambry Variant Classification Scheme 2023. Collection method: clinical testing. Allele origin: germline.

Labcorp Genetics (formerly Invitae), Labcorp
Classification: Uncertain significance. Last evaluated: 2022-11-08. Review status: criteria provided, single submitter. Criteria: Invitae Variant Classification Sherloc (09022015). Collection method: clinical testing. Allele origin: germline.
Comment: In summary, the available evidence is currently insufficient to determine the role of this variant in disease. Therefore, it has been classified as a Variant of Uncertain Significance. Algorithms developed to predict the effect of missense changes on protein structure and function (SIFT, PolyPhen-2, Align-GVGD) all suggest that this variant is likely to be tolerated. ClinVar contains an entry for this variant (Variation ID: 1464678). This variant has not been reported in the literature in individuals affected with CLCC1-related conditions. This variant is present in population databases (rs201203368, gnomAD 0.002%). This sequence change replaces serine, which is neutral and polar, with threonine, which is neutral and polar, at codon 49 of the CLCC1 protein (p.Ser49Thr).

Breakthrough Genomics
Classification: Uncertain significance. Review status: criteria provided, single submitter. Criteria: ACMG Guidelines, 2015. Collection method: not provided. Allele origin: germline. Inheritance: Autosomal recessive inheritance. Affected: yes.

NM_001377458.1(CLCC1):c.145T>A (p.Ser49Thr)

Gene: CLCC1 (chloride channel CLIC like 1; minus strand). Cytogenetic location: 1p13.3.
Variant type: single nucleotide variant.
Coding change: c.145T>A on transcript NM_001377458.1 (MANE Select); coding-DNA position 145, T replaced by A.
Protein change: p.Ser49Thr; replaces serine 49 with threonine.
Molecular consequence: missense variant. On other transcripts: 5 prime UTR variant (1), non-coding transcript variant (1), intron variant (1).
Genome position (GRCh38, 1-based): chr1:108,949,906, A>T on the plus strand (T>A on the coding strand, the complement: CLCC1 is on the minus strand). VCF-style: chr1-108949906-A-T. GRCh37 (hg19) VCF-style: chr1-109492528-A-T.
Other names: c.145T>A (NM_001048210.1); c.145T>A, p.Ser49Thr (NM_001048210.3, NM_001278202.2, NM_001278203.1 and 11 more transcripts); c.-318T>A (NM_001377470.1); c.129+403T>A (NM_001377469.1); short protein forms S49T.
Identifiers: ClinVar variation 1464678 (VCV001464678.10), dbSNP rs201203368, ClinGen allele CA983670.